The following is an entry in ClinVar:

ClinVar aggregate classification (germline): Pathogenic (1 of 4 stars; one submission).

Submission:

CeGaT Center for Human Genetics Tuebingen
Classification: Pathogenic. Last evaluated: 2026-04-01. Review status: criteria provided, single submitter. Criteria: CeGaT Center For Human Genetics Tuebingen Variant Classification Criteria Version 2. Collection method: clinical testing. Allele origin: germline. Affected: yes. Observed: 1 variant allele.
Comment: NBEA: PVS1, PM2

NM_001385012.1(NBEA):c.2728C>T (p.Gln910Ter)

Gene: NBEA (neurobeachin; plus strand). Cytogenetic location: 13q13.3.
Variant type: single nucleotide variant.
Coding change: c.2728C>T on transcript NM_001385012.1 (MANE Select); coding-DNA position 2728, C replaced by T.
Protein change: p.Gln910Ter; replaces glutamine 910 with a stop codon.
Molecular consequence: nonsense.
Genome position (GRCh38, 1-based): chr13:35,157,154, C>T. VCF-style: chr13-35157154-C-T. GRCh37 (hg19) VCF-style: chr13-35731291-C-T.
Other names: c.2728C>T, p.Gln910Ter (NM_001379245.1, NM_015678.5); short protein forms Q910*.
Identifiers: ClinVar variation 4874630 (VCV004874630.2).